The following is an entry in ClinVar:

ClinVar aggregate classification (germline): Likely benign. Review status: criteria provided, multiple submitters, no conflicts (2 of 4 stars). 6 submissions from 6 submitters: Likely benign (6). Last evaluated 2026-09-01.

Conditions:
Inborn genetic diseases. Identifiers: MedGen C0950123, MeSH D030342.
Intellectual disability. Also called: intellectual disabilities; Intellectual functioning disability; Intellectual developmental disorder. Identifiers: MedGen C3714756, MeSH D008607, MONDO:0001071, HP:0001249.

Allele frequency attached by ClinVar (database versions not stated): 1000 Genomes Project 30x 0.00016; ExAC 0.00016; ESP Exome Variant Server 0.00016; gnomAD 0.00017; gnomAD exomes 0.00019 and 0.00044; 1000 Genomes Project 0.00020; TOPMed 0.00024.
gnomAD v4.1: 661 of 1,613,192 alleles (0.041%); highest among the groups gnomAD compares: Non-Finnish European, 0.053%; 1 homozygote.

Submissions (6):

CeGaT Center for Human Genetics Tuebingen
Classification: Likely benign. Last evaluated: 2026-09-01. Review status: criteria provided, single submitter. Criteria: CeGaT Center For Human Genetics Tuebingen Variant Classification Criteria Version 2. Collection method: clinical testing. Allele origin: germline. Affected: yes. Observed: 4 variant alleles.
Comment: CACNA1G: BS1

Labcorp Genetics (formerly Invitae), Labcorp
Classification: Likely benign. Last evaluated: 2025-10-01. Review status: criteria provided, single submitter. Criteria: Invitae Variant Classification Sherloc (09022015). Collection method: clinical testing. Allele origin: germline.

Mayo Clinic Laboratories, Mayo Clinic
Classification: Likely benign. Last evaluated: 2025-06-05. Review status: criteria provided, single submitter. Criteria: ACMG Guidelines, 2015. Collection method: clinical testing. Allele origin: germline. Observed: 1 variant allele.
Comment: BS2, BP4

Ambry Genetics
Classification: Likely benign for Inborn genetic diseases. Last evaluated: 2022-06-10. Review status: criteria provided, single submitter. Criteria: Ambry Variant Classification Scheme 2023. Collection method: clinical testing. Allele origin: germline.

Cambridge Genomics Laboratory, East Genomic Laboratory Hub, NHS Genomic Medicine Service
Classification: Likely benign for Intellectual disability. Last evaluated: 2020-03-27. Review status: criteria provided, single submitter. Criteria: ACGS Best Practice Guidelines for Variant Classification in Rare Disease 2020. Collection method: clinical testing. Allele origin: germline. Affected: yes. Observed: 1 variant allele.

Breakthrough Genomics
Classification: Likely benign. Review status: criteria provided, single submitter. Criteria: ACMG Guidelines, 2015. Collection method: not provided. Allele origin: germline. Inheritance: Autosomal dominant inheritance. Affected: yes.

NM_018896.5(CACNA1G):c.3441A>C (p.Glu1147Asp)

Gene: CACNA1G (calcium voltage-gated channel subunit alpha1 G; plus strand). Cytogenetic location: 17q21.33.
Variant type: single nucleotide variant.
Coding change: c.3441A>C on transcript NM_018896.5 (MANE Select); coding-DNA position 3441, A replaced by C.
Protein change: p.Glu1147Asp; replaces glutamic acid 1147 with aspartic acid.
Molecular consequence: missense variant. On other transcripts: non-coding transcript variant (5).
Genome position (GRCh38, 1-based): chr17:50,599,610, A>C. VCF-style: chr17-50599610-A-C. GRCh37 (hg19) VCF-style: chr17-48676971-A-C.
Other names: p.Glu1147Asp; c.3441A>C, p.Glu1147Asp (NM_001256324.2, NM_001256325.2, NM_001256326.2 and 16 more transcripts); c.3372A>C, p.Glu1124Asp (NM_001256332.2, NM_198376.3, NM_198379.3 and 5 more transcripts); c.3441A>C (NM_018896.3); short protein forms E1124D, E1147D.
Identifiers: ClinVar variation 1145729 (VCV001145729.36), dbSNP rs375496086, ClinGen allele CA8652721.
Genomic context (GRCh38, chr17:50,599,610, plus strand): 5'-GCGGCGGTCCCTGTTGTCGGGAGAAGGCCAGGAGAGCCAGGATGAAGAGGAGAGCTCAGA[A>C]GAGGAGCGGGCCAGCCCTGCGGGCAGTGACCATCGCCACAGGGGGTCCCTGGAGCGGGAG-3'
Protein context (NP_061496.2, residues 1137-1157): QESQDEEESS[Glu1147Asp]EERASPAGSD